The following is an entry in ClinVar:

NM_001853.4(COL9A3):c.1025C>T (p.Ala342Val)

Gene: COL9A3 (collagen type IX alpha 3 chain; plus strand). Cytogenetic location: 20q13.33.
Variant type: single nucleotide variant.
Coding change: c.1025C>T on transcript NM_001853.4 (MANE Select); coding-DNA position 1025, C replaced by T.
Protein change: p.Ala342Val; replaces alanine 342 with valine.
Molecular consequence: missense variant.
Genome position (GRCh38, 1-based): chr20:62,829,471, C>T. VCF-style: chr20-62829471-C-T. GRCh37 (hg19) VCF-style: chr20-61460823-C-T.
Other names: c.1025C>T (NM_001853.3); short protein forms A342V.
Identifiers: ClinVar variation 1373959 (VCV001373959.7), dbSNP rs375482730, ClinGen allele CA9949696.
Genomic context (GRCh38, chr20:62,829,471, plus strand): 5'-TGCAATGTAACTGGCAGCCCTGACCGCAAGCTCTCTCCTGGCAGGGCCTCCCTGGACGAG[C>T]GGGGTCCAAAGGCGAGAAGGGAGAACGGGTATGTGGCTGCAGCCGCTTTCTCTCTGGGAG-3'
Protein context (NP_001844.3, residues 332-352): PNGLPGLPGR[Ala342Val]GSKGEKGERG

ClinVar aggregate classification (germline): Uncertain significance. Review status: criteria provided, multiple submitters, no conflicts (2 of 4 stars). 2 submissions from 2 submitters: Uncertain significance (2). Last evaluated 2025-09-16.

Conditions:
Inborn genetic diseases. Identifiers: MedGen C0950123, MeSH D030342.

Allele frequency attached by ClinVar (database versions not stated): gnomAD exomes 0.00001 and 0.00002; ExAC 0.00002; gnomAD 0.00003 and 0.00004; ESP Exome Variant Server 0.00008.
gnomAD v4.1: 24 of 1,608,130 alleles (0.0015%); highest among the groups gnomAD compares: Admixed American, 0.0084%; no homozygotes.

Submissions (2):

Labcorp Genetics (formerly Invitae), Labcorp
Classification: Uncertain significance. Last evaluated: 2025-09-16. Review status: criteria provided, single submitter. Criteria: Invitae Variant Classification Sherloc (09022015). Collection method: clinical testing. Allele origin: germline.
Comment: This sequence change replaces alanine, which is neutral and non-polar, with valine, which is neutral and non-polar, at codon 342 of the COL9A3 protein (p.Ala342Val). This variant is present in population databases (rs375482730, gnomAD 0.01%). This variant has not been reported in the literature in individuals affected with COL9A3-related conditions. ClinVar contains an entry for this variant (Variation ID: 1373959). Invitae Evidence Modeling of protein sequence and biophysical properties (such as structural, functional, and spatial information, amino acid conservation, physicochemical variation, residue mobility, and thermodynamic stability) indicates that this missense variant is not expected to disrupt COL9A3 protein function with a negative predictive value of 95%. In summary, the available evidence is currently insufficient to determine the role of this variant in disease. Therefore, it has been classified as a Variant of Uncertain Significance.

Ambry Genetics
Classification: Uncertain significance for Inborn genetic diseases. Last evaluated: 2025-08-30. Review status: criteria provided, single submitter. Criteria: Ambry Variant Classification Scheme 2023. Collection method: clinical testing. Allele origin: germline.